The following is an entry in ClinVar:

NM_004082.5(DCTN1):c.3610-14C>T

Gene: DCTN1 (dynactin subunit 1; minus strand). Cytogenetic location: 2p13.1.
Variant type: single nucleotide variant.
Coding change: c.3610-14C>T on transcript NM_004082.5 (MANE Select); 14 bases into the intron before coding-DNA position 3610, C replaced by T.
Molecular consequence: intron variant.
Genome position (GRCh38, 1-based): chr2:74,362,155, G>A on the plus strand (C>T on the coding strand, the complement: DCTN1 is on the minus strand). VCF-style: chr2-74362155-G-A. GRCh37 (hg19) VCF-style: chr2-74589282-G-A.
Other names: c.3484-14C>T (NM_001190836.2); c.3541-14C>T (NM_001378992.1); c.3559-14C>T (NM_001378991.1); c.3535-14C>T (NM_001135040.3); c.3589-14C>T (NM_001190837.2); c.3193-14C>T (NM_001135041.3); c.3208-14C>T (NM_023019.4).
Identifiers: ClinVar variation 337069 (VCV000337069.8), dbSNP rs757854575, ClinGen allele CA1721413.
Genomic context (GRCh38, chr2:74,362,155, plus strand): 5'-ACTGTGGCTCCAGGGCGCTGAGATACTGTCTCCTTGAGGACCTCATCCTAGGGAAGGGGA[G>A]AGGAAGACAAGGGTTCATTTATGGGACCCCCACAGGCTAGCACAAGACCACGTGGTTTCA-3'

ClinVar aggregate classification (germline): Likely benign. Review status: criteria provided, multiple submitters, no conflicts (2 of 4 stars). 3 submissions from 2 submitters: Likely benign (3). Last evaluated 2025-10-27.

Conditions:
Perry syndrome. Also called: PARKINSONISM WITH ALVEOLAR HYPOVENTILATION AND MENTAL DEPRESSION. Identifiers: Orphanet 178509, MedGen C1868594, MONDO:0008201, OMIM 168605.
Amyotrophic lateral sclerosis type 1 (ALS1). Also called: AMYOTROPHIC LATERAL SCLEROSIS 1, FAMILIAL. Identifiers: Orphanet 803, MedGen C1862939, MONDO:0007103, OMIM 105400.
Neuronopathy, distal hereditary motor, type 7B. Also called: HMN VIIB; LOWER MOTOR NEURON DISEASE, DYNACTIN TYPE; NEURONOPATHY, DISTAL HEREDITARY MOTOR, AUTOSOMAL DOMINANT 14; NEURONOPATHY, DISTAL HEREDITARY MOTOR, HARDING TYPE VIIB; NEUROPATHY, DISTAL HEREDITARY MOTOR, HARDING TYPE VIIB; NEUROPATHY, DISTAL HEREDITARY MOTOR, WITH VOCAL CORD PARALYSIS, HARDING TYPE VIIB. Identifiers: Orphanet 139589, MedGen C1843315, MONDO:0011879, OMIM 607641.

Allele frequency attached by ClinVar (database versions not stated): gnomAD 0.00038.
gnomAD v4.1: 34 of 1,612,478 alleles (0.0021%); highest among the groups gnomAD compares: Non-Finnish European, 0.0026%; no homozygotes.

Submissions (3):

Labcorp Genetics (formerly Invitae), Labcorp
Classification: Likely benign for Amyotrophic lateral sclerosis type 1; Neuronopathy, distal hereditary motor, type 7B; Perry syndrome. Last evaluated: 2025-10-27. Review status: criteria provided, single submitter. Criteria: Invitae Variant Classification Sherloc (09022015). Collection method: clinical testing. Allele origin: germline.

Illumina Laboratory Services, Illumina
Classification: Likely benign for Neuronopathy, distal hereditary motor, type 7B. Last evaluated: 2018-01-13. Review status: criteria provided, single submitter. Criteria: ICSL Variant Classification Criteria 13 December 2019. Collection method: clinical testing. Allele origin: germline.
Comment: This variant was observed in the ICSL laboratory as part of a predisposition screen in an ostensibly healthy population. It had not been previously curated by ICSL or reported in the Human Gene Mutation Database (HGMD: prior to June 1st, 2018), and was therefore a candidate for classification through an automated scoring system. Utilizing variant allele frequency, disease prevalence and penetrance estimates, and inheritance mode, an automated score was calculated to assess if this variant is too frequent to cause the disease. Based on the score and internal cut-off values, a variant classified as likely benign is not then subjected to further curation. The score for this variant resulted in a classification of likely benign for this disease.

Illumina Laboratory Services, Illumina
Classification: Likely benign for Perry syndrome. Last evaluated: 2018-01-13. Review status: criteria provided, single submitter. Criteria: ICSL Variant Classification Criteria 13 December 2019. Collection method: clinical testing. Allele origin: germline.
Comment: the same text as in the submission from Illumina Laboratory Services, Illumina above.